The following is an entry in ClinVar:

ClinVar aggregate classification (germline): Likely benign (1 of 4 stars; one submission).

Conditions:
Hereditary cancer-predisposing syndrome. Also called: Tumor predisposition; Neoplastic Syndromes, Hereditary; Hereditary neoplastic syndrome; Hereditary Cancer Syndrome. Identifiers: Orphanet 140162, MedGen C0027672, MeSH D009386, MONDO:0015356.

Submission:

Molecular Diagnostics Laboratory, Catalan Institute of Oncology
Classification: Likely benign for Hereditary cancer-predisposing syndrome. Last evaluated: 2025-08-04. Review status: criteria provided, single submitter. Criteria: ClinGen BRCA1BRCA2 ACMG Specifications BRCA2 V1.0.0. Collection method: clinical testing. Allele origin: germline.
Comment: PM2_Supporting, BP1_Strong c.9909T>G, located in the last exon (exon 27) of the BRCA2 gene, is predicted to result in the substitution of serine with arginine at codon 3303, p.(Ser3303Arg). This position is outside a (potentially) clinically important functional domain and, the SpliceAI algorithm predicts no significant impact on splicing (BP1_Strong). It is not present in the population database gnomAD v2.1.1, non cancer dataset (PM2_Supporting). To our knowledge, neither relevant clinical data nor well-established functional studies have been reported for this variant. Also, the variant has not been reported in ClinVar, BRCA Exchange or LOVD databases. Based on the currently available information, c.9909T>G is classified as a likely benign variant according to ClinGen-BRCA2 Guidelines v. 1.0.0.

NM_000059.4(BRCA2):c.9909T>G (p.Ser3303Arg)

Gene: BRCA2 (BRCA2 DNA repair associated; plus strand). Cytogenetic location: 13q13.1.
Variant type: single nucleotide variant.
Coding change: c.9909T>G on transcript NM_000059.4 (MANE Select); coding-DNA position 9909, T replaced by G.
Protein change: p.Ser3303Arg; replaces serine 3303 with arginine.
Molecular consequence: missense variant. On other transcripts: non-coding transcript variant (1).
Genome position (GRCh38, 1-based): chr13:32,398,422, T>G. VCF-style: chr13-32398422-T-G. GRCh37 (hg19) VCF-style: chr13-32972559-T-G.
Other names: c.9813T>G, p.Ser3271Arg (NM_001406719.1); c.9858T>G, p.Ser3286Arg (NM_001406720.1); c.4977T>G, p.Ser1659Arg (NM_001406721.1); c.3492T>G, p.Ser1164Arg (NM_001406722.1); c.9909T>G, p.Ser3303Arg (NM_001432077.1); short protein forms S1164R, S1659R, S3271R, S3286R, S3303R.
Identifiers: ClinVar variation 4082326 (VCV004082326.1).